The following is an entry in ClinVar:

ClinVar aggregate classification (germline): Uncertain significance. Review status: criteria provided, single submitter (1 of 4 stars). 2 submissions from 2 submitters: Uncertain significance (1). 1 of the submissions does not count toward it. Last evaluated 2025-07-24.

Conditions:
AQP2-related disorder. Also called: AQP2-related condition.

Submissions (2):

Women's Health and Genetics/Laboratory Corporation of America, LabCorp
Classification: Uncertain significance. Last evaluated: 2025-07-24. Review status: criteria provided, single submitter. Criteria: LabCorp Variant Classification Summary - May 2015. Collection method: clinical testing. Allele origin: germline.
Comment: Variant summary: AQP2 c.281T>C (p.Leu94Pro) results in a non-conservative amino acid change in the encoded protein sequence. Algorithms developed to predict the effect of missense changes on protein structure and function all suggest that this variant is likely to be disruptive. The frequency data for this variant in gnomAD is considered unreliable, as metrics indicate poor data quality at this position. To our knowledge, no occurrence of c.281T>C in individuals affected with AQP2-AR Diabetes Insipidus and no experimental evidence demonstrating its impact on protein function have been reported. ClinVar contains an entry for this variant (Variation ID: 3353684). Based on the evidence outlined above, the variant was classified as uncertain significance.

PreventionGenetics, part of Exact Sciences
Classification: Uncertain significance for AQP2-related condition. Last evaluated: 2024-03-11. Review status: no assertion criteria provided. Collection method: clinical testing. Allele origin: germline. Not counted in ClinVar's aggregate classification.
Comment: The AQP2 c.281T>C variant is predicted to result in the amino acid substitution p.Leu94Pro. To our knowledge, this variant has not been reported in the literature or in a large population database, indicating this variant is rare. Although we suspect this variant may be pathogenic, the clinical significance of this variant is uncertain due to the absence of conclusive functional and genetic evidence.

NM_000486.6(AQP2):c.281T>C (p.Leu94Pro)

Gene: AQP2 (aquaporin 2; plus strand). Cytogenetic location: 12q13.12.
Variant type: single nucleotide variant.
Coding change: c.281T>C on transcript NM_000486.6 (MANE Select); coding-DNA position 281, T replaced by C.
Protein change: p.Leu94Pro; replaces leucine 94 with proline.
Molecular consequence: missense variant.
Genome position (GRCh38, 1-based): chr12:49,951,111, T>C. VCF-style: chr12-49951111-T-C. GRCh37 (hg19) VCF-style: chr12-50344894-T-C.
Other names: short protein forms L94P.
Identifiers: ClinVar variation 3353684 (VCV003353684.2).